The following is an entry in ClinVar:

NM_013254.4(TBK1):c.1532C>T (p.Ser511Phe)

Gene: TBK1 (TANK binding kinase 1; plus strand). Cytogenetic location: 12q14.2.
Variant type: single nucleotide variant.
Coding change: c.1532C>T on transcript NM_013254.4 (MANE Select); coding-DNA position 1532, C replaced by T.
Protein change: p.Ser511Phe; replaces serine 511 with phenylalanine.
Molecular consequence: missense variant.
Genome position (GRCh38, 1-based): chr12:64,495,493, C>T. VCF-style: chr12-64495493-C-T. GRCh37 (hg19) VCF-style: chr12-64889273-C-T.
Other names: c.1532C>T (NM_013254.3); short protein forms S511F.
Identifiers: ClinVar variation 2819566 (VCV002819566.4), dbSNP rs781232726, ClinGen allele CA6669101.
Genomic context (GRCh38, chr12:64,495,493, plus strand): 5'-ATCATTTCTGGCTTTTGGCAATCTGGATCTGAACCTTTGGTTTTATTTAGCTTTCCAGTT[C>T]TCAGGGAACAATAGAAACCAGTCTTCAGGATATCGACAGCAGATTATCTCCAGGTGGATC-3'
Protein context (NP_037386.1, residues 501-521): IHTKLLRLSS[Ser511Phe]QGTIETSLQD

ClinVar aggregate classification (germline): Uncertain significance. Review status: criteria provided, multiple submitters, no conflicts (2 of 4 stars). 2 submissions from 2 submitters: Uncertain significance (2). Last evaluated 2024-12-16.

Conditions:
TBK1-related disorder. Also called: TBK1-related condition.
Frontotemporal dementia and/or amyotrophic lateral sclerosis 4. Also called: FTDALS4. Identifiers: Orphanet 275872, MedGen C4225325, MONDO:0014641, OMIM 616439.

Allele frequency attached by ClinVar (database versions not stated): gnomAD exomes below 0.00001; ExAC 0.00001.
gnomAD v4.1: 1 of 1,613,396 alleles (0.000062%); highest among the groups gnomAD compares: Non-Finnish European, 0.000085%; no homozygotes.

Submissions (2):

PreventionGenetics, part of Exact Sciences
Classification: Uncertain significance for TBK1-related condition. Last evaluated: 2024-12-16. Review status: criteria provided, single submitter. Criteria: ACMG Guidelines, 2015. Collection method: clinical testing. Allele origin: germline.
Comment: The TBK1 c.1532C>T variant is predicted to result in the amino acid substitution p.Ser511Phe. To our knowledge, this variant has not been reported in the literature. This variant is reported in 0.00088% of alleles in individuals of European (non-Finnish) descent in gnomAD. At this time, the clinical significance of this variant is uncertain due to the absence of conclusive functional and genetic evidence.

Labcorp Genetics (formerly Invitae), Labcorp
Classification: Uncertain significance for Frontotemporal dementia and/or amyotrophic lateral sclerosis 4. Last evaluated: 2022-12-08. Review status: criteria provided, single submitter. Criteria: Invitae Variant Classification Sherloc (09022015). Collection method: clinical testing. Allele origin: germline.
Comment: This sequence change replaces serine, which is neutral and polar, with phenylalanine, which is neutral and non-polar, at codon 511 of the TBK1 protein (p.Ser511Phe). In summary, the available evidence is currently insufficient to determine the role of this variant in disease. Therefore, it has been classified as a Variant of Uncertain Significance. Algorithms developed to predict the effect of sequence changes on RNA splicing suggest that this variant may create or strengthen a splice site. Advanced modeling of protein sequence and biophysical properties (such as structural, functional, and spatial information, amino acid conservation, physicochemical variation, residue mobility, and thermodynamic stability) performed at Invitae indicates that this missense variant is not expected to disrupt TBK1 protein function. This variant has not been reported in the literature in individuals affected with TBK1-related conditions. This variant is present in population databases (rs781232726, gnomAD 0.0009%).